The following is an entry in ClinVar:

NM_020320.5(RARS2):c.974+90T>C

Gene: RARS2 (arginyl-tRNA synthetase 2, mitochondrial; minus strand). Cytogenetic location: 6q15.
Variant type: single nucleotide variant.
Coding change: c.974+90T>C on transcript NM_020320.5 (MANE Select); 90 bases into the intron after coding-DNA position 974, T replaced by C.
Molecular consequence: intron variant.
Genome position (GRCh38, 1-based): chr6:87,524,467, A>G on the plus strand (T>C on the coding strand, the complement: RARS2 is on the minus strand). VCF-style: chr6-87524467-A-G. GRCh37 (hg19) VCF-style: chr6-88234185-A-G.
Other names: c.974+90T>C (NM_001350505.2); c.449+90T>C (NM_001350509.2, NM_001318785.2, NM_001350506.2 and 4 more transcripts).
Identifiers: ClinVar variation 676773 (VCV000676773.4), dbSNP rs2273131, ClinGen allele CA12414828.

ClinVar aggregate classification (germline): Benign. Review status: criteria provided, multiple submitters, no conflicts (2 of 4 stars). 2 submissions from 2 submitters: Benign (2). Last evaluated 2021-07-10.

Conditions:
Pontocerebellar hypoplasia type 6 (PCH6). Identifiers: Orphanet 166073, MedGen C1969084, MONDO:0012683, OMIM 611523.

Allele frequency attached by ClinVar (database versions not stated): gnomAD exomes 0.04350; 1000 Genomes Project 0.05371; 1000 Genomes Project 30x 0.05809; gnomAD 0.06329 and 0.06641; TOPMed 0.06975.
gnomAD v4.1: 47,482 of 1,015,904 alleles (4.7%); highest among the groups gnomAD compares: African/African-American, 12%; 1,397 homozygotes.

Submissions (2):

Genome-Nilou Lab
Classification: Benign for Pontocerebellar hypoplasia type 6. Last evaluated: 2021-07-10. Review status: criteria provided, single submitter. Criteria: ACMG Guidelines, 2015. Collection method: clinical testing. Allele origin: germline. Affected: no.

GeneDx
Classification: Benign. Last evaluated: 2018-06-18. Review status: criteria provided, single submitter. Criteria: GeneDx Variant Classification (06012015). Collection method: clinical testing. Allele origin: germline. Affected: yes.
Comment: This variant is considered likely benign or benign based on one or more of the following criteria: it is a conservative change, it occurs at a poorly conserved position in the protein, it is predicted to be benign by multiple in silico algorithms, and/or has population frequency not consistent with disease.